The following is an entry in ClinVar:

NM_015213.4(DENND5A):c.1096A>G (p.Asn366Asp)

Gene: DENND5A (DENN domain containing 5A; minus strand). Cytogenetic location: 11p15.4.
Variant type: single nucleotide variant.
Coding change: c.1096A>G on transcript NM_015213.4 (MANE Select); coding-DNA position 1096, A replaced by G.
Protein change: p.Asn366Asp; replaces asparagine 366 with aspartic acid.
Molecular consequence: missense variant. On other transcripts: non-coding transcript variant (1).
Genome position (GRCh38, 1-based): chr11:9,193,535, T>C on the plus strand (A>G on the coding strand, the complement: DENND5A is on the minus strand). VCF-style: chr11-9193535-T-C. GRCh37 (hg19) VCF-style: chr11-9215082-T-C.
Other names: c.1096A>G, p.Asn366Asp (NM_001243254.2); c.1024A>G, p.Asn342Asp (NM_001348749.2); c.808A>G, p.Asn270Asp (NM_001348750.2); short protein forms N342D, N270D, N366D.
Identifiers: ClinVar variation 4977318 (VCV004977318.1).

ClinVar aggregate classification (germline): Uncertain significance (1 of 4 stars; one submission).

Conditions:
DENND5A-related disorder. Also called: DENND5A-related condition.

gnomAD v4.1: 10 of 1,613,248 alleles (0.00062%); highest among the groups gnomAD compares: African/African-American, 0.0013%; no homozygotes.

Submission:

PreventionGenetics, part of Exact Sciences
Classification: Uncertain significance for DENND5A-related condition. Last evaluated: 2025-12-19. Review status: criteria provided, single submitter. Criteria: ACMG Guidelines, 2015. Collection method: clinical testing. Allele origin: germline.
Comment: The DENND5A c.1096A>G variant is predicted to result in the amino acid substitution p.Asn366Asp. To our knowledge, this variant has not been reported in the literature. This variant is reported in 0.0062% of alleles in individuals of African descent in gnomAD. At this time, the clinical significance of this variant is uncertain due to the absence of conclusive functional and genetic evidence.